The following is an entry in ClinVar:

ClinVar aggregate classification (germline): Pathogenic. Review status: criteria provided, multiple submitters, no conflicts (2 of 4 stars). 2 submissions from 2 submitters: Pathogenic (2). Last evaluated 2024-12-03.

Conditions:
Seizures, benign familial neonatal, 1. Also called: KCNQ2-Related Self-Limited Familial Neonatal Epilepsy (SLFNE); Seizures, benign neonatal, 1; Benign Neonatal Epilepsy 1; KCNQ2-Related Benign Familial Neonatal Epilepsy. Identifiers: Orphanet 1949, MedGen C3149074, MONDO:0007365, OMIM 121200.
Developmental and epileptic encephalopathy, 7 (DEE7). Also called: KCNQ2-Related Neonatal-Onset Developmental and Epileptic Encephalopathy (NEO-DEE); Early infantile epileptic encephalopathy 7; KCNQ2-Related Neonatal Epileptic Encephalopathy. Identifiers: Orphanet 439218, MedGen C3150986, MONDO:0013387, OMIM 613720.

Submissions (8):

GeneDx
Classification: Pathogenic. Last evaluated: 2024-12-03. Review status: criteria provided, single submitter. Criteria: GeneDx Variant Classification Process June 2021. Collection method: clinical testing. Allele origin: germline. Affected: yes.
Comment: Not observed in large population cohorts (gnomAD); This substitution is predicted to be within the transmembrane segment S6; This variant is associated with the following publications: (PMID: 25959266, 29655203, 31832524, 31152295)

Institute of Human Genetics, Clinical Exome/Genome Diagnostics Group, University Hospital Bonn
Classification: Pathogenic for Seizures, benign familial neonatal, 1; Developmental and epileptic encephalopathy, 7. Last evaluated: 2023-02-15. Review status: criteria provided, single submitter. Criteria: ACMG Guidelines, 2015. Collection method: clinical testing. Allele origin: germline. Affected: yes.

Channelopathy-Associated Epilepsy Research Center
No classification provided (evidence only). Condition: Complex neurodevelopmental disorder. Review status: no classification provided. Collection method: literature only. Allele origin: not applicable. Functional consequence: Severe decrease in peak current, Mild slowing of activation, Severe hyperpolarizing shift of voltage dependence of activation. Not counted in ClinVar's aggregate classification.
ClinVar note: "not provided" was previously submitted as the classification for the variant. However, the classification appeared to be based only on an observation of functional data so it was converted to no classification on 2025-07-30.

Channelopathy-Associated Epilepsy Research Center
No classification provided (evidence only). Review status: no classification provided. Collection method: in vitro. Allele origin: not applicable. Functional consequence: Decrease in peak current. Not counted in ClinVar's aggregate classification.

Channelopathy-Associated Epilepsy Research Center
No classification provided (evidence only). Review status: no classification provided. Collection method: in vitro. Allele origin: not applicable. Functional consequence: Decrease in peak current. Not counted in ClinVar's aggregate classification.

Channelopathy-Associated Epilepsy Research Center
No classification provided (evidence only). Review status: no classification provided. Collection method: in vitro. Allele origin: not applicable. Functional consequence: Hyperpolarizing shift of voltage dependence of activation. Not counted in ClinVar's aggregate classification.

Channelopathy-Associated Epilepsy Research Center
No classification provided (evidence only). Review status: no classification provided. Collection method: in vitro. Allele origin: not applicable. Functional consequence: Increase in slope of activation. Not counted in ClinVar's aggregate classification.

Channelopathy-Associated Epilepsy Research Center
No classification provided (evidence only). Review status: no classification provided. Collection method: in vitro. Allele origin: not applicable. Functional consequence: Normal rate of activation. Not counted in ClinVar's aggregate classification.

Literature cited by the submitters: PubMed 35104249 (cited by Channelopathy-Associated Epilepsy Research Center).

NM_172107.4(KCNQ2):c.916G>C (p.Ala306Pro)

Gene: KCNQ2 (potassium voltage-gated channel subfamily Q member 2; minus strand). Cytogenetic location: 20q13.33.
Variant type: single nucleotide variant.
Coding change: c.916G>C on transcript NM_172107.4 (MANE Select); coding-DNA position 916, G replaced by C.
Protein change: p.Ala306Pro; replaces alanine 306 with proline.
Molecular consequence: missense variant.
Genome position (GRCh38, 1-based): chr20:63,439,609, C>G on the plus strand (G>C on the coding strand, the complement: KCNQ2 is on the minus strand). VCF-style: chr20-63439609-C-G. GRCh37 (hg19) VCF-style: chr20-62070962-C-G.
Other names: p.A306P:GCG>CCG; c.916G>C, p.Ala306Pro (NM_004518.6, NM_172106.3, NM_172108.5 and 1 more transcripts); short protein forms A306P.
Identifiers: ClinVar variation 205888 (VCV000205888.9), dbSNP rs74315390, ClinGen allele CA315410.
Genomic context (GRCh38, chr20:63,439,609, plus strand): 5'-CTACAAGACCTCGTCCCCCTCCAAGGCAGGCAGGGGCAGCTGGACTTACTGCAGGCAGCG[C>G]GAAGAAGGAGACACCGATGAGGGTGAAGGTTGCCGCAAGGAGCCTGCCGTTCCAGGTCTG-3'
Protein context (NP_742105.1, residues 296-316): TFTLIGVSFF[Ala306Pro]LPAGILGSGF